The following is an entry in ClinVar:

ClinVar aggregate classification (germline): Uncertain significance. Review status: criteria provided, multiple submitters, no conflicts (2 of 4 stars). 4 submissions from 4 submitters: Uncertain significance (4). Last evaluated 2025-07-15.

Conditions:
Fanconi anemia (FA). Also called: Fanconi's anemia. Identifiers: Orphanet 84, MedGen C0015625, MeSH D005199, MONDO:0019391.
Spermatogenic failure 28. Identifiers: MedGen C4748117, MONDO:0054732, OMIM 618086.
Premature ovarian failure 15. Identifiers: MedGen C4748170, MONDO:0054862, OMIM 618096.

Allele frequency attached by ClinVar (database versions not stated): ExAC 0.00002; gnomAD exomes 0.00002; TOPMed 0.00002; gnomAD 0.00004 and 0.00005; ESP Exome Variant Server 0.00008.
gnomAD v4.1: 50 of 1,613,700 alleles (0.0031%); highest among the groups gnomAD compares: African/African-American, 0.031%; no homozygotes.

Submissions (4):

Quest Diagnostics Nichols Institute San Juan Capistrano
Classification: Uncertain significance. Last evaluated: 2025-07-15. Review status: criteria provided, single submitter. Criteria: Quest Diagnostics criteria. Collection method: clinical testing. Allele origin: unknown.
Comment: The FANCM c.1960C>T (p.Arg654Trp) variant has been reported in the published literature in both breast cancer cases and reportedly unaffected individuals (PMIDs: 36707629 (2023), 33471991 (2021), see also LOVD). The frequency of this variant in the general population (Genome Aggregation Database) is uninformative in the assessment of its pathogenicity. Analysis of this variant using bioinformatics tools for the prediction of the effect of amino acid changes on protein structure and function yielded predictions that this variant is benign. Based on the available information, we are unable to determine the clinical significance of this variant.

Labcorp Genetics (formerly Invitae), Labcorp
Classification: Uncertain significance for Fanconi anemia. Last evaluated: 2024-09-23. Review status: criteria provided, single submitter. Criteria: Invitae Variant Classification Sherloc (09022015). Collection method: clinical testing. Allele origin: germline.
Comment: This sequence change replaces arginine, which is basic and polar, with tryptophan, which is neutral and slightly polar, at codon 654 of the FANCM protein (p.Arg654Trp). This variant is present in population databases (rs112784867, gnomAD 0.02%). This variant has not been reported in the literature in individuals affected with FANCM-related conditions. ClinVar contains an entry for this variant (Variation ID: 843220). An algorithm developed to predict the effect of missense changes on protein structure and function outputs the following: PolyPhen-2: "Benign". The tryptophan amino acid residue is found in multiple mammalian species, which suggests that this missense change does not adversely affect protein function. In summary, the available evidence is currently insufficient to determine the role of this variant in disease. Therefore, it has been classified as a Variant of Uncertain Significance.

GeneDx
Classification: Uncertain significance. Last evaluated: 2022-12-01. Review status: criteria provided, single submitter. Criteria: GeneDx Variant Classification Process June 2021. Collection method: clinical testing. Allele origin: germline. Affected: yes.
Comment: In silico analysis supports that this missense variant has a deleterious effect on protein structure/function; Has not been previously published as pathogenic or benign to our knowledge

Fulgent Genetics
Classification: Uncertain significance for Spermatogenic failure 28; Premature ovarian failure 15. Last evaluated: 2021-08-20. Review status: criteria provided, single submitter. Criteria: ACMG Guidelines, 2015. Collection method: clinical testing. Allele origin: unknown.

Literature cited by the submitters: PubMed 36707629 (cited by Quest Diagnostics Nichols Institute San Juan Capistrano); PubMed 32235514 (cited by Quest Diagnostics Nichols Institute San Juan Capistrano).

NM_020937.4(FANCM):c.1960C>T (p.Arg654Trp)

Gene: FANCM (FA complementation group M; plus strand). Cytogenetic location: 14q21.2.
Variant type: single nucleotide variant.
Coding change: c.1960C>T on transcript NM_020937.4 (MANE Select); coding-DNA position 1960, C replaced by T.
Protein change: p.Arg654Trp; replaces arginine 654 with tryptophan.
Molecular consequence: missense variant.
Genome position (GRCh38, 1-based): chr14:45,167,121, C>T. VCF-style: chr14-45167121-C-T. GRCh37 (hg19) VCF-style: chr14-45636324-C-T.
Other names: c.1960C>T (NM_020937.3); c.1882C>T, p.Arg628Trp (NM_001308133.2); c.1960C>T, p.Arg654Trp (NM_001308134.2); short protein forms R654W, R628W.
Identifiers: ClinVar variation 843220 (VCV000843220.8), dbSNP rs112784867, ClinGen allele CA7169191.